The following is an entry in ClinVar:

NM_001042492.3(NF1):c.569T>A (p.Leu190Ter)

Gene: NF1 (neurofibromin 1; plus strand). Cytogenetic location: 17q11.2.
Variant type: single nucleotide variant.
Coding change: c.569T>A on transcript NM_001042492.3 (MANE Select); coding-DNA position 569, T replaced by A.
Protein change: p.Leu190Ter; replaces leucine 190 with a stop codon.
Molecular consequence: nonsense.
Genome position (GRCh38, 1-based): chr17:31,169,980, T>A. VCF-style: chr17-31169980-T-A. GRCh37 (hg19) VCF-style: chr17-29496998-T-A.
Other names: c.569T>A, p.Leu190Ter (NM_000267.4, NM_001128147.3); short protein forms L190*.
Identifiers: ClinVar variation 2061758 (VCV002061758.5), dbSNP rs1555607112, ClinGen allele CA398985384.

ClinVar aggregate classification (germline): Pathogenic. Review status: criteria provided, multiple submitters, no conflicts (2 of 4 stars). 2 submissions from 2 submitters: Pathogenic (2). Last evaluated 2022-12-12.

Conditions:
Neurofibromatosis, type 1 (NF1). Also called: NEUROFIBROMATOSIS, TYPE I, SOMATIC; VON RECKLINGHAUSEN DISEASE; Peripheral type neurofibromatosis; Neurofibromatosis, type I. Identifiers: Orphanet 636, MedGen C0027831, MONDO:0018975, OMIM 162200. Disease mechanism: loss of function.

Submissions (2):

Institute for Clinical Genetics, University Hospital TU Dresden, University Hospital TU Dresden
Classification: Pathogenic. Last evaluated: 2022-12-12. Review status: criteria provided, single submitter. Criteria: ACMG Guidelines, 2015. Collection method: clinical testing. Allele origin: de novo.
Comment: PVS1, PS1, PM2_SUP

Labcorp Genetics (formerly Invitae), Labcorp
Classification: Pathogenic for Neurofibromatosis, type 1. Last evaluated: 2021-12-27. Review status: criteria provided, single submitter. Criteria: Invitae Variant Classification Sherloc (09022015). Collection method: clinical testing. Allele origin: germline.
Comment: This variant is not present in population databases (gnomAD no frequency). For these reasons, this variant has been classified as Pathogenic. This premature translational stop signal has been observed in individual(s) with clinical features of neurofibromatosis type 1 (PMID: 24789688). This sequence change creates a premature translational stop signal (p.Leu190*) in the NF1 gene. It is expected to result in an absent or disrupted protein product. Loss-of-function variants in NF1 are known to be pathogenic (PMID: 10712197, 23913538).

Literature cited by the submitters: PubMed 24789688 (cited by Labcorp Genetics (formerly Invitae), Labcorp); PubMed 10712197 (cited by Labcorp Genetics (formerly Invitae), Labcorp); PubMed 23913538 (cited by Labcorp Genetics (formerly Invitae), Labcorp).